The following is an entry in ClinVar:

ClinVar aggregate classification (germline): Uncertain significance (1 of 4 stars; one submission).

Conditions:
Osteogenesis imperfecta type I (OI1). Also called: Lobstein's Disease; Lobstein disease; OI, TYPE I; OSTEOGENESIS IMPERFECTA TARDA; OSTEOGENESIS IMPERFECTA WITH BLUE SCLERAE; Osteogenesis imperfecta type 1. Identifiers: Orphanet 216796, Orphanet 666, MedGen C0023931, MONDO:0008146, OMIM 166200. Disease mechanism: loss of function.

Submission:

Labcorp Genetics (formerly Invitae), Labcorp
Classification: Uncertain significance for Osteogenesis imperfecta type I. Last evaluated: 2023-08-04. Review status: criteria provided, single submitter. Criteria: Invitae Variant Classification Sherloc (09022015). Collection method: clinical testing. Allele origin: germline.
Comment: In summary, the available evidence is currently insufficient to determine the role of this variant in disease. Therefore, it has been classified as a Variant of Uncertain Significance. Variants that disrupt the consensus splice site are a relatively common cause of aberrant splicing (PMID: 17576681, 9536098). Algorithms developed to predict the effect of sequence changes on RNA splicing suggest that this variant may disrupt the consensus splice site. This variant has not been reported in the literature in individuals affected with COL1A1-related conditions. This variant is not present in population databases (gnomAD no frequency). This sequence change falls in intron 45 of the COL1A1 gene. It does not directly change the encoded amino acid sequence of the COL1A1 protein. It affects a nucleotide within the consensus splice site.

Literature cited by the submitters: PubMed 17576681; PubMed 9536098.

NM_000088.4(COL1A1):c.3369+4_3369+7del

Gene: COL1A1 (collagen type I alpha 1 chain; minus strand). Cytogenetic location: 17q21.33.
Variant type: Deletion.
Coding change: c.3369+4_3369+7del on transcript NM_000088.4 (MANE Select); bases 4 to 7 of the intron after coding-DNA position 3369, 4 bases deleted (AGTA; older notation c.3369+4_3369+7delAGTA).
Molecular consequence: splice donor variant.
Genome position (GRCh38, 1-based): chr17:50,187,869-50,187,872, TACT deleted on the plus strand (AGTA on the coding strand, the reverse complement: COL1A1 is on the minus strand); deleting any 4 consecutive bases within chr17:50,187,869-50,187,875 gives the same sequence; the c. name uses the placement nearest the transcript's 3' end. VCF-style (leftmost placement, unchanged base first): chr17-50187868-ATACT-A. GRCh37 (hg19) VCF-style: chr17-48265229-ATACT-A.
Identifiers: ClinVar variation 2750176 (VCV002750176.3), dbSNP rs2509172409, ClinGen allele CA2697560250.